The following is an entry in ClinVar:

NM_022166.4(XYLT1):c.2549T>C (p.Ile850Thr)

Gene: XYLT1 (xylosyltransferase 1; minus strand). Cytogenetic location: 16p12.3.
Variant type: single nucleotide variant.
Coding change: c.2549T>C on transcript NM_022166.4 (MANE Select); coding-DNA position 2549, T replaced by C.
Protein change: p.Ile850Thr; replaces isoleucine 850 with threonine.
Molecular consequence: missense variant.
Genome position (GRCh38, 1-based): chr16:17,117,654, A>G on the plus strand (T>C on the coding strand, the complement: XYLT1 is on the minus strand). VCF-style: chr16-17117654-A-G. GRCh37 (hg19) VCF-style: chr16-17211511-A-G.
Other names: short protein forms I850T.
Identifiers: ClinVar variation 2112312 (VCV002112312.4), dbSNP rs1220567668, ClinGen allele CA395218155.

ClinVar aggregate classification (germline): Uncertain significance (1 of 4 stars; one submission).

Conditions:
Desbuquois dysplasia 1 (DBQD1). Also called: MICROMELIC DWARFISM WITH VERTEBRAL AND METAPHYSEAL ABNORMALITIES AND ADVANCED CARPOTARSAL OSSIFICATION; DESBUQUOIS DYSPLASIA 1, KIM VARIANT. Identifiers: Orphanet 1425, MedGen C4012146, MONDO:0009629, OMIM 251450.

Submission:

Labcorp Genetics (formerly Invitae), Labcorp
Classification: Uncertain significance for Desbuquois dysplasia 1. Last evaluated: 2022-03-15. Review status: criteria provided, single submitter. Criteria: Invitae Variant Classification Sherloc (09022015). Collection method: clinical testing. Allele origin: germline.
Comment: In summary, the available evidence is currently insufficient to determine the role of this variant in disease. Therefore, it has been classified as a Variant of Uncertain Significance. Algorithms developed to predict the effect of missense changes on protein structure and function are either unavailable or do not agree on the potential impact of this missense change (SIFT: "Deleterious"; PolyPhen-2: "Probably Damaging"; Align-GVGD: "Class C0"). This variant has not been reported in the literature in individuals affected with XYLT1-related conditions. This variant is not present in population databases (gnomAD no frequency). This sequence change replaces isoleucine, which is neutral and non-polar, with threonine, which is neutral and polar, at codon 850 of the XYLT1 protein (p.Ile850Thr).